The following is an entry in ClinVar:

ClinVar aggregate classification (germline): Pathogenic. Review status: reviewed by expert panel (3 of 4 stars). 6 submissions from 6 submitters: Pathogenic (1). 5 of the submissions do not count toward it. Last evaluated 2025-06-16.

Conditions:
Mucopolysaccharidosis type 1. Also called: IDUA deficiency; MPS I; Mucopolysaccharidosis Type I. Identifiers: Orphanet 579, MedGen C0023786, MONDO:0001586.
Hurler syndrome. Also called: MUCOPOLYSACCHARIDOSIS TYPE IH; Severe MPS I (Hurler Syndrome); Gargoylism, Hurler Syndrome. Identifiers: Orphanet 93473, MedGen C0086795, MONDO:0011758, OMIM 607014.

Allele frequency attached by ClinVar (database versions not stated): gnomAD below 0.00001 and 0.00001; TOPMed below 0.00001.
gnomAD v4.1: 2 of 1,582,202 alleles (0.00013%); highest among the groups gnomAD compares: South Asian, 0.0023%; no homozygotes.

Submissions (6):

ClinGen Lysosomal Storage Disorder Variant Curation Expert Panel
Classification: Pathogenic for Mucopolysaccharidosis type 1. Last evaluated: 2025-06-16. Review status: reviewed by expert panel. Criteria: ClinGen LSD ACMG Specifications IDUA V1.0.0. Collection method: curation. Allele origin: germline. Inheritance: Autosomal recessive inheritance.
Comment: The NM_000203.5(IDUA):c.895G>T (p.Glu299Ter) variant in IDUA is a nonsense variant predicted to cause a premature stop codon in biologically-relevant exon 7 out of 14, leading to nonsense mediated decay in a gene in which loss-of-function is an established disease mechanism (PVS1). At least 2 patients with this variant had documented IDUA deficiency within the affected range in leukocytes and clinical features specific to MPS I including dysostosis multiplex, hepatosplenomegaly, arthropathy, and corneal involvement (PMIDs: 16438163, 27146977) (PP4). Of those individuals, one was compound heterozygous for the variant and another variant in IDUA that has been classified as pathogenic for MPS I by the ClinGen LD VCEP, c.223G>A (p.Ala75Thr) (ClinVar Variation ID: 222993); the phase was not confirmed (0.5 points; PMID: 27146977). One individual was homozygous for the variant (ClinVar SCV002562742.2) (0.5 points). Total 1 point (PM3). Another patient was compound heterozygous for the variant and c.164dup (PMID: 16438163). The allelic data for this patient will be used to support the classification of c.164dup and is not included here in order to avoid circular logic. The highest population minor allele frequency in gnomAD v4.1.0. is 0.000023 (2/86636 alleles) in the South Asian population, which is lower than the ClinGen Lysosomal Diseases VCEP’s threshold for PM2_Supporting (<0.00025), meeting this criterion (PM2_Supporting). There is a ClinVar entry for this variant (Variation ID: 987878). In summary, this variant meets the criteria to be classified as pathogenic for MPS I based on the IDUA-specific ACMG/AMP criteria applied, as specified by the ClinGen Lysosomal Diseases Variant Curation Expert panel (Specifications Version 1.0.0): PVS1, PP4, PM3, PM2_Supporting. (Classification approved by the ClinGen Lysosomal Diseases Variant Curation Expert Panel on June 16, 2025)

Labcorp Genetics (formerly Invitae), Labcorp
Classification: Pathogenic for Mucopolysaccharidosis type 1. Last evaluated: 2023-12-14. Review status: criteria provided, single submitter. Criteria: Invitae Variant Classification Sherloc (09022015). Collection method: clinical testing. Allele origin: germline. Not counted in ClinVar's aggregate classification.
Comment: This sequence change creates a premature translational stop signal (p.Glu299*) in the IDUA gene. It is expected to result in an absent or disrupted protein product. Loss-of-function variants in IDUA are known to be pathogenic (PMID: 11735025, 21480867). This variant is not present in population databases (gnomAD no frequency). This premature translational stop signal has been observed in individual(s) with mucopolysaccharidosis type I (PMID: 16438163, 27146977). ClinVar contains an entry for this variant (Variation ID: 987878). For these reasons, this variant has been classified as Pathogenic.

Revvity Omics, Revvity
Classification: Pathogenic. Last evaluated: 2023-12-11. Review status: criteria provided, single submitter. Criteria: ACMG Guidelines, 2015. Collection method: clinical testing. Allele origin: germline. Not counted in ClinVar's aggregate classification.

Foundation for Research in Genetics and Endocrinology, FRIGE's Institute of Human Genetics
Classification: Pathogenic for Hurler syndrome. Last evaluated: 2022-06-09. Review status: criteria provided, single submitter. Criteria: ACMG Guidelines, 2015. Collection method: clinical testing. Allele origin: germline. Inheritance: Autosomal recessive inheritance. Affected: yes. Observed: 1 homozygote. Not counted in ClinVar's aggregate classification.
Comment: A homozygous single nucleotide change in exon 7 of the IDUA gene that results in a stop codon at codon 299 was detected. The observed variant c.895G>T (p.Glu299Ter) has not been reported in the 1000 genomes and gnomAD databases. The in silico prediction of the variant is disease causing by LRT, DANN and MutationTaster2. In summary, the variant meets our criteria to be classified as pathogenic

Women's Health and Genetics/Laboratory Corporation of America, LabCorp
Classification: Pathogenic for Mucopolysaccharidosis type 1. Last evaluated: 2020-11-13. Review status: criteria provided, single submitter. Criteria: LabCorp Variant Classification Summary - May 2015. Collection method: clinical testing. Allele origin: germline. Not counted in ClinVar's aggregate classification.
Comment: Variant summary: IDUA c.895G>T (p.Glu299X) results in a premature termination codon, predicted to cause a truncation of the encoded protein or absence of the protein due to nonsense mediated decay, which are commonly known mechanisms for disease. The variant was absent in 191150 control chromosomes (gnomAD). c.895G>T has been reported in the literature in individuals affected with Mucopolysaccharidosis Type 1 (Cairns_2005, Ghosh_2017, Uttarilli_2016). These data indicate that the variant may be associated with disease. No detectable enzymatic activity (from leukocytes) was found in a patient who was compound heterozygous for the variant of interest and another pathogenic variant (Cairns_2005). No clinical diagnostic laboratories have submitted clinical-significance assessments for this variant to ClinVar after 2014. Based on the evidence outlined above, the variant was classified as pathogenic.

Natera, Inc.
Classification: Pathogenic for Mucopolysaccharidosis type I. Last evaluated: 2021-02-02. Review status: no assertion criteria provided. Collection method: clinical testing. Allele origin: germline. Not counted in ClinVar's aggregate classification.

Literature cited by the submitters: PubMed 11735025 (cited by Labcorp Genetics (formerly Invitae), Labcorp); PubMed 21480867 (cited by Labcorp Genetics (formerly Invitae), Labcorp); PubMed 16438163 (cited by Labcorp Genetics (formerly Invitae), Labcorp and Women's Health and Genetics/Laboratory Corporation of America, LabCorp); PubMed 27146977 (cited by Labcorp Genetics (formerly Invitae), Labcorp and Women's Health and Genetics/Laboratory Corporation of America, LabCorp); PubMed 28752568 (cited by Women's Health and Genetics/Laboratory Corporation of America, LabCorp); PubMed 30903511 (cited by Women's Health and Genetics/Laboratory Corporation of America, LabCorp); PubMed 28676128 (cited by Women's Health and Genetics/Laboratory Corporation of America, LabCorp).

NM_000203.5(IDUA):c.895G>T (p.Glu299Ter)

Gene: IDUA (alpha-L-iduronidase; plus strand). Cytogenetic location: 4p16.3.
Variant type: single nucleotide variant.
Coding change: c.895G>T on transcript NM_000203.5 (MANE Select); coding-DNA position 895, G replaced by T.
Protein change: p.Glu299Ter; replaces glutamic acid 299 with a stop codon.
Molecular consequence: nonsense. On other transcripts: non-coding transcript variant (1).
Genome position (GRCh38, 1-based): chr4:1,002,084, G>T. VCF-style: chr4-1002084-G-T. GRCh37 (hg19) VCF-style: chr4-995872-G-T.
Other names: p.Glu299Ter; NM_000203.5(IDUA):c.895G>T; c.499G>T, p.Glu167Ter (NM_001363576.1); short protein forms E167*, E299*.
Identifiers: ClinVar variation 987878 (VCV000987878.14), dbSNP rs1715120049, ClinGen allele CA355962511.
Genomic context (GRCh38, chr4:1,002,084, plus strand): 5'-GTCGCGCAGCAGATCCGGCAGCTCTTCCCCAAGTTCGCGGACACCCCCATTTACAACGAC[G>T]AGGCGGACCCGCTGGTGGGCTGGTCCCTGCCACAGCCGTGGAGGGCGGACGTGACCTACG-3'